The following is an entry in ClinVar:

NM_004999.4(MYO6):c.1722C>T (p.Asp574=)

Gene: MYO6 (myosin VI; plus strand). Cytogenetic location: 6q14.1.
Variant type: single nucleotide variant.
Coding change: c.1722C>T on transcript NM_004999.4 (MANE Select); coding-DNA position 1722, C replaced by T.
Protein change: p.Asp574=; no amino-acid change (aspartic acid 574 retained).
Molecular consequence: synonymous variant. On other transcripts: non-coding transcript variant (1).
Genome position (GRCh38, 1-based): chr6:75,866,573, C>T. VCF-style: chr6-75866573-C-T. GRCh37 (hg19) VCF-style: chr6-76576290-C-T.
Other names: p.Asp574=; c.1722C>T, p.Asp574= (NM_001300899.2, NM_001368136.1, NM_001368137.1 and 2 more transcripts); c.1707C>T, p.Asp569= (NM_001368138.1).
Identifiers: ClinVar variation 45140 (VCV000045140.65), dbSNP rs11756446, ClinGen allele CA135603.

ClinVar aggregate classification (germline): Benign/Likely benign. Review status: criteria provided, multiple submitters, no conflicts (2 of 4 stars). 10 submissions from 9 submitters: Benign (8); Likely benign (2). Last evaluated 2026-02-03.

Conditions:
Autosomal recessive nonsyndromic hearing loss 37. Identifiers: Orphanet 90636, MedGen C1843028, MONDO:0011912, OMIM 607821.
Autosomal dominant nonsyndromic hearing loss 22. Also called: DFNA 22; Autosomal dominant nonsyndromic deafness 22. Identifiers: Orphanet 228012, MedGen C2931767, MONDO:0011660, OMIM 606346.

Allele frequency attached by ClinVar (database versions not stated): 1000 Genomes Project 30x 0.02795; 1000 Genomes Project 0.02895; TOPMed 0.03951; gnomAD 0.04192 and 0.04242; ESP Exome Variant Server 0.04352; gnomAD exomes 0.05093 and 0.05801; ExAC 0.05189.
gnomAD v4.1: 91,239 of 1,613,280 alleles (5.7%); highest among the groups gnomAD compares: South Asian, 6.5%; 2,942 homozygotes.

Submissions (10):

Labcorp Genetics (formerly Invitae), Labcorp
Classification: Benign. Last evaluated: 2026-02-03. Review status: criteria provided, single submitter. Criteria: Invitae Variant Classification Sherloc (09022015). Collection method: clinical testing. Allele origin: germline.

Blueprint Genetics
Classification: Benign. Last evaluated: 2024-11-26. Review status: criteria provided, single submitter. Criteria: ACMG Guidelines, 2015. Collection method: clinical testing. Allele origin: germline.

ARUP Laboratories, Molecular Genetics and Genomics, ARUP Laboratories
Classification: Benign. Last evaluated: 2023-11-28. Review status: criteria provided, single submitter. Criteria: ARUP Molecular Germline Variant Investigation Process 2024. Collection method: clinical testing. Allele origin: germline.

Mayo Clinic Laboratories, Mayo Clinic
Classification: Benign. Last evaluated: 2020-08-26. Review status: criteria provided, single submitter. Criteria: ACMG Guidelines, 2015. Collection method: clinical testing. Allele origin: germline. Observed: 15 variant alleles.

Illumina Laboratory Services, Illumina
Classification: Likely benign for Autosomal recessive nonsyndromic hearing loss 37. Last evaluated: 2018-01-13. Review status: criteria provided, single submitter. Criteria: ICSL Variant Classification Criteria 13 December 2019. Collection method: clinical testing. Allele origin: germline.
Comment: This variant was observed in the ICSL laboratory as part of a predisposition screen in an ostensibly healthy population. It had not been previously curated by ICSL or reported in the Human Gene Mutation Database (HGMD: prior to June 1st, 2018), and was therefore a candidate for classification through an automated scoring system. Utilizing variant allele frequency, disease prevalence and penetrance estimates, and inheritance mode, an automated score was calculated to assess if this variant is too frequent to cause the disease. Based on the score and internal cut-off values, a variant classified as likely benign is not then subjected to further curation. The score for this variant resulted in a classification of likely benign for this disease.

Illumina Laboratory Services, Illumina
Classification: Benign for Autosomal dominant nonsyndromic hearing loss 22. Last evaluated: 2018-01-13. Review status: criteria provided, single submitter. Criteria: ICSL Variant Classification Criteria 13 December 2019. Collection method: clinical testing. Allele origin: germline.
Comment: This variant was observed in the ICSL laboratory as part of a predisposition screen in an ostensibly healthy population. It had not been previously curated by ICSL or reported in the Human Gene Mutation Database (HGMD: prior to June 1st, 2018), and was therefore a candidate for classification through an automated scoring system. Utilizing variant allele frequency, disease prevalence and penetrance estimates, and inheritance mode, an automated score was calculated to assess if this variant is too frequent to cause the disease. Based on the score and internal cut-off values, a variant classified as benign is not then subjected to further curation. The score for this variant resulted in a classification of benign for this disease.

GeneDx
Classification: Benign. Last evaluated: 2017-08-16. Review status: criteria provided, single submitter. Criteria: GeneDx Variant Classification (06012015). Collection method: clinical testing. Allele origin: germline. Affected: yes.
Comment: This variant is considered likely benign or benign based on one or more of the following criteria: it is a conservative change, it occurs at a poorly conserved position in the protein, it is predicted to be benign by multiple in silico algorithms, and/or has population frequency not consistent with disease.

Laboratory for Molecular Medicine, Mass General Brigham Personalized Medicine
Classification: Benign. Last evaluated: 2009-06-19. Review status: criteria provided, single submitter. Criteria: LMM Criteria. Collection method: clinical testing. Allele origin: germline. Observed: 198 variant alleles.

Breakthrough Genomics
Classification: Likely benign. Review status: criteria provided, single submitter. Criteria: ACMG Guidelines, 2015. Collection method: not provided. Allele origin: germline. Inheritance: Autosomal recessive inheritance. Affected: yes.

PreventionGenetics, part of Exact Sciences
Classification: Benign. Review status: criteria provided, single submitter. Criteria: ACMG Guidelines, 2015. Collection method: clinical testing. Allele origin: germline.